The following is an entry in ClinVar:

NM_000051.4(ATM):c.3916_3917del (p.Ser1306fs)

Gene: ATM (ATM serine/threonine kinase; plus strand). Cytogenetic location: 11q22.3.
Variant type: Deletion.
Coding change: c.3916_3917del on transcript NM_000051.4 (MANE Select); coding-DNA positions 3916 to 3917, 2 bases deleted (AG; older notation c.3916_3917delAG).
Protein change: p.Ser1306fs; shifts the reading frame from serine 1306.
Molecular consequence: frameshift variant.
Genome position (GRCh38, 1-based): chr11:108,284,396-108,284,397, AG deleted. VCF-style (leftmost placement, unchanged base first): chr11-108284395-CAG-C. GRCh37 (hg19) VCF-style: chr11-108155122-CAG-C.
Other names: c.3916_3917del, p.Ser1306fs (NM_001351834.2); short protein forms S1306fs.
Identifiers: ClinVar variation 1430285 (VCV001430285.7), dbSNP rs2135708324, ClinGen allele CA2573146682.

ClinVar aggregate classification (germline): Pathogenic. Review status: criteria provided, multiple submitters, no conflicts (2 of 4 stars). 2 submissions from 2 submitters: Pathogenic (2). Last evaluated 2024-02-15.

Conditions:
Ataxia-telangiectasia syndrome (AT). Also called: Ataxia telangiectasia (A-T); LOUIS-BAR SYNDROME; Cerebello-oculocutaneous telangiectasia; Immunodeficiency with ataxia telangiectasia; AT, COMPLEMENTATION GROUP C; Ataxia-telangiectasia, complementation group D. Identifiers: Orphanet 100, MedGen C0004135, MONDO:0008840, OMIM 208900.
Familial cancer of breast. Also called: BREAST CANCER, FAMILIAL; hereditary breast carcinoma; Hereditary breast cancer. Identifiers: Orphanet 227535, MedGen C0346153, MONDO:0016419, OMIM 114480. Disease mechanism: loss of function.

Submissions (2):

Labcorp Genetics (formerly Invitae), Labcorp
Classification: Pathogenic for Ataxia-telangiectasia syndrome. Last evaluated: 2024-02-15. Review status: criteria provided, single submitter. Criteria: Invitae Variant Classification Sherloc (09022015). Collection method: clinical testing. Allele origin: germline.
Comment: This sequence change creates a premature translational stop signal (p.Ser1306Trpfs*14) in the ATM gene. It is expected to result in an absent or disrupted protein product. Loss-of-function variants in ATM are known to be pathogenic (PMID: 23807571, 25614872). This variant is not present in population databases (gnomAD no frequency). This variant has not been reported in the literature in individuals affected with ATM-related conditions. ClinVar contains an entry for this variant (Variation ID: 1430285). For these reasons, this variant has been classified as Pathogenic.

Myriad Genetics, Inc.
Classification: Pathogenic for Familial cancer of breast. Last evaluated: 2024-01-23. Review status: criteria provided, single submitter. Criteria: Myriad Autosomal Dominant, Autosomal Recessive and X-Linked Classification Criteria (2023). Collection method: clinical testing. Allele origin: unknown.
Comment: This variant is considered pathogenic. This variant creates a frameshift predicted to result in premature protein truncation.

Literature cited by the submitters: PubMed 23807571 (cited by Labcorp Genetics (formerly Invitae), Labcorp); PubMed 25614872 (cited by Labcorp Genetics (formerly Invitae), Labcorp).